The following is an entry in ClinVar:

NM_198859.4(PRICKLE2):c.926C>G (p.Ala309Gly)

Gene: PRICKLE2 (prickle planar cell polarity protein 2; minus strand). Cytogenetic location: 3p14.1.
Variant type: single nucleotide variant.
Coding change: c.926C>G on transcript NM_198859.4 (MANE Select); coding-DNA position 926, C replaced by G.
Protein change: p.Ala309Gly; replaces alanine 309 with glycine.
Molecular consequence: missense variant.
Genome position (GRCh38, 1-based): chr3:64,147,564, G>C on the plus strand (C>G on the coding strand, the complement: PRICKLE2 is on the minus strand). VCF-style: chr3-64147564-G-C. GRCh37 (hg19) VCF-style: chr3-64133240-G-C.
Other names: c.926C>G, p.Ala309Gly (NM_001370528.1); c.926C>G (NM_198859.3); short protein forms A309G.
Identifiers: ClinVar variation 1414655 (VCV001414655.9), dbSNP rs201966297, ClinGen allele CA75728176.

ClinVar aggregate classification (germline): Uncertain significance. Review status: criteria provided, multiple submitters, no conflicts (2 of 4 stars). 2 submissions from 2 submitters: Uncertain significance (2). Last evaluated 2023-10-30.

Conditions:
Progressive myoclonic epilepsy type 5. Identifiers: Orphanet 402082, MedGen C5190799.

Allele frequency attached by ClinVar (database versions not stated): gnomAD exomes below 0.00001; gnomAD 0.00002; TOPMed 0.00002.

Submissions (2):

Ambry Genetics
Classification: Uncertain significance. Last evaluated: 2023-10-30. Review status: criteria provided, single submitter. Criteria: Ambry Variant Classification Scheme 2023. Collection method: clinical testing. Allele origin: germline.

Labcorp Genetics (formerly Invitae), Labcorp
Classification: Uncertain significance for Progressive myoclonic epilepsy type 5. Last evaluated: 2023-01-13. Review status: criteria provided, single submitter. Criteria: Invitae Variant Classification Sherloc (09022015). Collection method: clinical testing. Allele origin: germline.
Comment: This sequence change replaces alanine, which is neutral and non-polar, with glycine, which is neutral and non-polar, at codon 309 of the PRICKLE2 protein (p.Ala309Gly). This variant is not present in population databases (gnomAD no frequency). This variant has not been reported in the literature in individuals affected with PRICKLE2-related conditions. ClinVar contains an entry for this variant (Variation ID: 1414655). Advanced modeling of protein sequence and biophysical properties (such as structural, functional, and spatial information, amino acid conservation, physicochemical variation, residue mobility, and thermodynamic stability) performed at Invitae indicates that this missense variant is not expected to disrupt PRICKLE2 protein function. In summary, the available evidence is currently insufficient to determine the role of this variant in disease. Therefore, it has been classified as a Variant of Uncertain Significance.